The following is an entry in ClinVar:

ClinVar aggregate classification (germline): Uncertain significance (1 of 4 stars; one submission).

Conditions:
Nephronophthisis 15 (NPHP15). Identifiers: Orphanet 3156, MedGen C3541853, MONDO:0013917, OMIM 614845.

Submission:

Labcorp Genetics (formerly Invitae), Labcorp
Classification: Uncertain significance for Nephronophthisis 15. Last evaluated: 2024-09-30. Review status: criteria provided, single submitter. Criteria: Invitae Variant Classification Sherloc (09022015). Collection method: clinical testing. Allele origin: germline.
Comment: This sequence change replaces serine, which is neutral and polar, with threonine, which is neutral and polar, at codon 834 of the CEP164 protein (p.Ser834Thr). This variant is not present in population databases (gnomAD no frequency). This variant has not been reported in the literature in individuals affected with CEP164-related conditions. Invitae Evidence Modeling of protein sequence and biophysical properties (such as structural, functional, and spatial information, amino acid conservation, physicochemical variation, residue mobility, and thermodynamic stability) indicates that this missense variant is not expected to disrupt CEP164 protein function with a negative predictive value of 80%. In summary, the available evidence is currently insufficient to determine the role of this variant in disease. Therefore, it has been classified as a Variant of Uncertain Significance.

NM_014956.5(CEP164):c.2501G>C (p.Ser834Thr)

Gene: CEP164 (centrosomal protein 164; plus strand). Cytogenetic location: 11q23.3.
Variant type: single nucleotide variant.
Coding change: c.2501G>C on transcript NM_014956.5 (MANE Select); coding-DNA position 2501, G replaced by C.
Protein change: p.Ser834Thr; replaces serine 834 with threonine.
Molecular consequence: missense variant.
Genome position (GRCh38, 1-based): chr11:117,393,011, G>C. VCF-style: chr11-117393011-G-C. GRCh37 (hg19) VCF-style: chr11-117263727-G-C.
Other names: c.2510G>C, p.Ser837Thr (NM_001271933.2); short protein forms S834T, S837T.
Identifiers: ClinVar variation 2879858 (VCV002879858.2), dbSNP rs2541975575, ClinGen allele CA382726237.